The following is an entry in ClinVar:

NM_000059.4(BRCA2):c.1763A>G (p.Asn588Ser)

Gene: BRCA2 (BRCA2 DNA repair associated; plus strand). Cytogenetic location: 13q13.1.
Variant type: single nucleotide variant.
Coding change: c.1763A>G on transcript NM_000059.4 (MANE Select); coding-DNA position 1763, A replaced by G.
Protein change: p.Asn588Ser; replaces asparagine 588 with serine.
Molecular consequence: missense variant.
Genome position (GRCh38, 1-based): chr13:32,333,241, A>G. VCF-style: chr13-32333241-A-G. GRCh37 (hg19) VCF-style: chr13-32907378-A-G.
Other names: NM_000059.4(BRCA2):c.1763A>G; p.Asn588Ser; short protein forms N588S.
Identifiers: ClinVar variation 51186 (VCV000051186.38), dbSNP rs373400041, ClinGen allele CA013138.
Genomic context (GRCh38, chr13:32,333,241, plus strand): 5'-CACAGAATTCTGTAGCTTTGAAGAATGCAGGTTTAATATCCACTTTGAAAAAGAAAACAA[A>G]TAAGTTTATTTATGCTATACATGATGAAACATCTTATAAAGGAAAAAAAATACCGAAAGA-3'
Protein context (NP_000050.3, residues 578-598): GLISTLKKKT[Asn588Ser]KFIYAIHDET

ClinVar aggregate classification (germline): Likely benign. Review status: reviewed by expert panel (3 of 4 stars). 14 submissions from 14 submitters: Likely benign (1). 13 of the submissions do not count toward it. Last evaluated 2026-11-19.

Conditions:
Breast neoplasm. Also called: Neoplasm of the breast; Breast Neoplasms; Neoplasm of breast; Breast tumor. Identifiers: MedGen C1458155, MeSH D001943, MONDO:0021100, HP:0100013. Disease mechanism: gain of function.
Hereditary breast ovarian cancer syndrome. Also called: Hereditary breast and ovarian cancer syndrome; Breast and ovarian cancer; BRCA1- and BRCA2-Associated Hereditary Breast and Ovarian Cancer; Hereditary breast and ovarian cancer; Hereditary breast and ovarian cancer syndrome (HBOC); Hereditary breast and/or ovarian cancer syndrome. Identifiers: Orphanet 145, MedGen C0677776, MeSH D061325, MONDO:0003582. Disease mechanism: loss of function.
BRCA2-related cancer predisposition. Identifiers: MedGen CN377758, MONDO:0700269.
Breast-ovarian cancer, familial, susceptibility to, 2 (BROVCA2). Also called: BRCA2 Hereditary Breast and Ovarian Cancer. Identifiers: Orphanet 145, MedGen C2675520, MONDO:0012933, OMIM 612555. Disease mechanism: loss of function.
Hereditary cancer-predisposing syndrome. Also called: Hereditary Cancer Syndrome; Tumor predisposition; Neoplastic Syndromes, Hereditary; Hereditary neoplastic syndrome. Identifiers: Orphanet 140162, MedGen C0027672, MeSH D009386, MONDO:0015356.
Familial cancer of breast. Also called: hereditary breast carcinoma; BREAST CANCER, FAMILIAL; Hereditary breast cancer. Identifiers: Orphanet 227535, MedGen C0346153, MONDO:0016419, OMIM 114480. Disease mechanism: loss of function.

Allele frequency attached by ClinVar (database versions not stated): gnomAD 0.00001; TOPMed 0.00001; 1000 Genomes Project 0.00020; ESP Exome Variant Server 0.00008; 1000 Genomes Project 30x 0.00016; gnomAD exomes below 0.00001 and 0.00002; ExAC 0.00003.
gnomAD v4.1: 6 of 1,612,616 alleles (0.00037%); highest among the groups gnomAD compares: Admixed American, 0.005%; no homozygotes.

Submissions 1 to 4 of 14:

ClinGen ENIGMA BRCA1 and BRCA2 Variant Curation Expert Panel, ClinGen
Classification: Likely benign for BRCA2-related cancer predisposition. Last evaluated: 2026-11-19. Review status: reviewed by expert panel. Criteria: CSpec BRCA1/2ACMG Rules Specifications V1.2. Collection method: curation. Allele origin: germline. Inheritance: Autosomal dominant inheritance.
Comment: The c.1763A>G variant in BRCA2 is a variant predicted to cause substitution of Asparagine by Serine at amino acid 588 (p.(Asn588Ser)). The Total GrpMax filtering allele frequency (the lower threshold of the 95% CI) in gnomAD v4.1 is 0.0000133 in the Admixed American genetic ancestry group (based on 3/59880 alleles) which is below the ENIGMA BRCA1/2 VCEP threshold (>0.00002) for BS1_Supporting (PM2_Supporting, BS1, and BA1 are not met). This BRCA2 missense variant has a SpliceAI score of 0.83, predicting an impact on splicing (score threshold >0.20) (PP3 met). This is a missense variant outside a key functional domain, and mRNA experimental analysis indicates production of in-frame aberration (r.1763_1909del, p.Asn588_Gly637delinsSer) (PMIDs:20215541, 21735045). The percent of aberrant transcript produced is not stated, however the in-frame aberration is assumed functional. According to Rubric of weighing mRNA data (Appendix Table 9), the VCEP considered this strong evidence against pathogenicity (BP7_Strong (RNA) met). Cosegregation analysis of one family carrying this variant provided evidence against pathogenicity, and has a Bayes Score of 0.132 (applied as LR), within the thresholds for moderate benign evidence (LR >0.05 & ≤0.23) (BS4_Moderate met; PMID: 21735045). This variant has been observed in one individual with features considered inconsistent with an FA-associated phenotype, and (Likely) Pathogenic variant seen in trans, however didn't meet our criteria for BS2 to be applied (BS2 not met; Internal lab contributor). In summary, this variant meets the criteria to be classified as a Likely benign variant for BRCA2-related cancer predisposition based on the ACMG/AMP criteria applied as specified by the ENIGMA BRCA1/2 VCEP (PP3, BS4_Moderate, BP7_Strong (RNA)).

Labcorp Genetics (formerly Invitae), Labcorp
Classification: Uncertain significance for Hereditary breast ovarian cancer syndrome. Last evaluated: 2026-01-31. Review status: criteria provided, single submitter. Criteria: Invitae Variant Classification Sherloc (09022015). Collection method: clinical testing. Allele origin: germline. Not counted in ClinVar's aggregate classification.
Comment: This sequence change replaces asparagine, which is neutral and polar, with serine, which is neutral and polar, at codon 588 of the BRCA2 protein (p.Asn588Ser). This variant is present in population databases (rs373400041, gnomAD 0.009%). This missense change has been observed in individual(s) with breast cancer (PMID: 20215541, 21735045). This variant is also known as 1991A>G. ClinVar contains an entry for this variant (Variation ID: 51186). Invitae Evidence Modeling of protein sequence and biophysical properties (such as structural, functional, and spatial information, amino acid conservation, physicochemical variation, residue mobility, and thermodynamic stability) indicates that this missense variant is not expected to disrupt BRCA2 protein function with a negative predictive value of 95%. RNA analysis performed to evaluate the impact of this missense change on mRNA splicing indicates it does not significantly alter splicing (internal data). In summary, the available evidence is currently insufficient to determine the role of this variant in disease. Therefore, it has been classified as a Variant of Uncertain Significance.

Women's Health and Genetics/Laboratory Corporation of America, LabCorp
Classification: Uncertain significance. Last evaluated: 2025-12-09. Review status: criteria provided, single submitter. Criteria: LabCorp Variant Classification Summary - May 2015. Collection method: clinical testing. Allele origin: germline. Not counted in ClinVar's aggregate classification.
Comment: Variant summary: BRCA2 c.1763A>G (p.Asn588Ser) results in a conservative amino acid change in the encoded protein sequence. Algorithms developed to predict the effect of missense changes on protein structure and function all suggest that this variant is likely to be tolerated. Several computational tools predict a significant impact on normal splicing: Four predict the variant creates a 5 donor site. Functional studies are conflicting or show no significant impact on splicing (Menendez_2012, Sanz_2010, internal data). The variant allele was found at a frequency of 1.6e-05 in 249674 control chromosomes. The available data on variant occurrences in the general population are insufficient to allow any conclusion about variant significance. c.1763A>G has been observed in individual(s) affected with breast and/or ovarian cancer, as well as controls (Menendez_2012, Sanz_2010, Velasco_2005, Infante_2006, Rebbeck_2018, Zayas-Villanueva_2019, Herzog_2021, Dong_2021). One published study reports lack of co-segregation of the variant with the disease (Menendez_2012). These report(s) do not provide unequivocal conclusions about association of the variant with Hereditary Breast And Ovarian Cancer Syndrome. Co-occurrences with other pathogenic variant(s) have been reported (BRCA2 c.658_659delGT, p.Val220fsX4), providing supporting evidence for a benign role. The following publications have been ascertained in the context of this evaluation (PMID: 32467295, 34413315, 16758124, 21735045, 29446198, 20215541, 15937982, 23893897, 31331294, 21918853, 18528753). ClinVar contains an entry for this variant (Variation ID: 51186). Based on the evidence outlined above, the variant was classified as VUS-possibly benign.

Color Diagnostics, LLC DBA Color Health
Classification: Uncertain significance for Hereditary cancer-predisposing syndrome. Last evaluated: 2025-09-10. Review status: criteria provided, single submitter. Criteria: ACMG Guidelines, 2015. Collection method: clinical testing. Allele origin: germline. Not counted in ClinVar's aggregate classification.
Comment: This missense variant replaces asparagine with serine at codon 588 of the BRCA2 protein. Computational prediction suggests that this variant may not impact protein structure and function. Splice site prediction tools suggest that this variant may impact RNA splicing. RNA studies have show that this variant results an in-frame deletion of the last 147 nucleotides from exon 10 of the BRCA2 gene (PMID: 20215541, 21735045). However, the impact on RNA splicing may be partial and the clinical relevance of this observation is not known. This variant has been reported in individuals affected with breast and/or ovarian cancer (PMID: 15937982, 16758124, 20215541, 21735045, 33471991Leiden Open Variation Database DB-ID BRCA2_000486). This variant has also been identified in 4/249674 chromosomes in the general population by the Genome Aggregation Database (gnomAD). The available evidence is insufficient to determine the role of this variant in disease conclusively. Therefore, this variant is classified as a Variant of Uncertain Significance.